The following is an entry in ClinVar:

NM_001267550.2(TTN):c.3523+5G>C

Gene: TTN (titin; minus strand). Cytogenetic location: 2q31.2.
Variant type: single nucleotide variant.
Coding change: c.3523+5G>C on transcript NM_001267550.2 (MANE Select); 5 bases into the intron after coding-DNA position 3523, G replaced by C.
Molecular consequence: intron variant.
Genome position (GRCh38, 1-based): chr2:178,781,116, C>G on the plus strand (G>C on the coding strand, the complement: TTN is on the minus strand). VCF-style: chr2-178781116-C-G. GRCh37 (hg19) VCF-style: chr2-179645843-C-G.
Other names: c.3385+5G>C (NM_003319.4, NM_133437.4, NM_133432.3); c.3523+5G>C (NM_133378.4, NM_001256850.1, NM_133379.5).
Identifiers: ClinVar variation 3763982 (VCV003763982.3).

ClinVar aggregate classification (germline): Uncertain significance. Review status: criteria provided, multiple submitters, no conflicts (2 of 4 stars). 2 submissions from 2 submitters: Uncertain significance (2). Last evaluated 2026-06-09.

Conditions:
Cardiovascular phenotype. Identifiers: MedGen CN230736.
Autosomal recessive limb-girdle muscular dystrophy type 2J (LGMDR10). Also called: Limb-girdle muscular dystrophy, type 2J; MUSCULAR DYSTROPHY, LIMB-GIRDLE, AUTOSOMAL RECESSIVE 10. Identifiers: Orphanet 140922, MedGen C1837342, MONDO:0012127, OMIM 608807.
Dilated cardiomyopathy 1G (CMD1G). Identifiers: Orphanet 154, MedGen C1858763, MONDO:0011400, OMIM 604145.

Submissions (2):

Ambry Genetics
Classification: Uncertain significance for Cardiovascular phenotype. Last evaluated: 2026-06-09. Review status: criteria provided, single submitter. Criteria: Ambry Variant Classification Scheme 2023. Collection method: clinical testing. Allele origin: germline.
Comment: The c.3385+5G>C intronic variant results from a G to C substitution 5 nucleotides after coding exon 19 in the TTN gene. This exon is located in the near Z-disk region of the N2-B isoform of the titin protein and is constitutively expressed in TTN transcripts (percent spliced in or PSI 100%). This nucleotide position is not well conserved in available vertebrate species. In silico splice site analysis predicts that this alteration will not have any significant effect on splicing. Based on the available evidence, the clinical significance of this variant remains unclear.

Labcorp Genetics (formerly Invitae), Labcorp
Classification: Uncertain significance for Dilated cardiomyopathy 1G; Autosomal recessive limb-girdle muscular dystrophy type 2J. Last evaluated: 2024-07-06. Review status: criteria provided, single submitter. Criteria: Invitae Variant Classification Sherloc (09022015). Collection method: clinical testing. Allele origin: germline.
Comment: This sequence change falls in intron 21 of the TTN gene. It does not directly change the encoded amino acid sequence of the TTN protein. It affects a nucleotide within the consensus splice site. This variant is not present in population databases (gnomAD no frequency). This variant has not been reported in the literature in individuals affected with TTN-related conditions. Variants that disrupt the consensus splice site are a relatively common cause of aberrant splicing (PMID: 17576681, 9536098). Algorithms developed to predict the effect of sequence changes on RNA splicing suggest that this variant is not likely to affect RNA splicing. This variant is located in the Z band of TTN (PMID: 25589632). Non-truncating variants in this region may be clinically relevant, but have not been definitively shown to cause cardiomyopathy or neuromuscular disease (PMID: 27493940, 32778822). In summary, the available evidence is currently insufficient to determine the role of this variant in disease. Therefore, it has been classified as a Variant of Uncertain Significance.

Literature cited by the submitters: PubMed 17576681 (cited by Labcorp Genetics (formerly Invitae), Labcorp); PubMed 9536098 (cited by Labcorp Genetics (formerly Invitae), Labcorp); PubMed 25589632 (cited by Labcorp Genetics (formerly Invitae), Labcorp); PubMed 27493940 (cited by Labcorp Genetics (formerly Invitae), Labcorp); PubMed 32778822 (cited by Labcorp Genetics (formerly Invitae), Labcorp).